The following is an entry in ClinVar:

ClinVar aggregate classification (germline): Uncertain significance (1 of 4 stars; one submission).

Allele frequency attached by ClinVar (database versions not stated): gnomAD 0.00001; TOPMed 0.00001.
gnomAD v4.1: 1 of 1,575,478 alleles (0.000063%); highest among the groups gnomAD compares: African/African-American, 0.0013%; no homozygotes.

Submission:

GeneDx
Classification: Uncertain significance. Last evaluated: 2021-01-15. Review status: criteria provided, single submitter. Criteria: GeneDx Variant Classification Process June 2021. Collection method: clinical testing. Allele origin: germline. Affected: yes.
Comment: Not observed in large population cohorts (Lek et al., 2016); Has not been previously published as pathogenic or benign to our knowledge; In-silico analysis is inconclusive as to whether the variant alters gene splicing. In the absence of RNA/functional studies, the actual effect of this sequence change is unknown.

NM_001330260.2(SCN8A):c.3373-7T>G

Gene: SCN8A (sodium voltage-gated channel alpha subunit 8; plus strand). Cytogenetic location: 12q13.13.
Variant type: single nucleotide variant.
Coding change: c.3373-7T>G on transcript NM_001330260.2 (MANE Select); 7 bases into the intron before coding-DNA position 3373, T replaced by G.
Molecular consequence: intron variant.
Genome position (GRCh38, 1-based): chr12:51,769,861, T>G. VCF-style: chr12-51769861-T-G. GRCh37 (hg19) VCF-style: chr12-52163645-T-G.
Other names: c.3373-7T>G (NM_014191.4, NM_001177984.3, NM_001369788.1).
Identifiers: ClinVar variation 1202275 (VCV001202275.3), dbSNP rs1942896252, ClinGen allele CA947682288.